The following is an entry in ClinVar:

NM_000129.4(F13A1):c.1183G>A (p.Ala395Thr)

Gene: F13A1 (coagulation factor XIII A chain; minus strand). Cytogenetic location: 6p25.1.
Variant type: single nucleotide variant.
Coding change: c.1183G>A on transcript NM_000129.4 (MANE Select); coding-DNA position 1183, G replaced by A.
Protein change: p.Ala395Thr; replaces alanine 395 with threonine.
Molecular consequence: missense variant.
Genome position (GRCh38, 1-based): chr6:6,197,256, C>T on the plus strand (G>A on the coding strand, the complement: F13A1 is on the minus strand). VCF-style: chr6-6197256-C-T. GRCh37 (hg19) VCF-style: chr6-6197489-C-T.
Other names: short protein forms A395T.
Identifiers: ClinVar variation 2574447 (VCV002574447.1), dbSNP rs2480572860, ClinGen allele CA362739208.

ClinVar aggregate classification (germline): Uncertain significance (1 of 4 stars; one submission).

Submission:

GeneDx
Classification: Uncertain significance. Last evaluated: 2023-01-26. Review status: criteria provided, single submitter. Criteria: GeneDx Variant Classification Process June 2021. Collection method: clinical testing. Allele origin: germline. Affected: yes.
Comment: Not observed at significant frequency in large population cohorts (gnomAD); In silico analysis supports that this missense variant does not alter protein structure/function; Has not been previously published as pathogenic or benign to our knowledge